The following is an entry in ClinVar:

ClinVar aggregate classification (germline): Uncertain significance. Review status: criteria provided, multiple submitters, no conflicts (2 of 4 stars). 2 submissions from 2 submitters: Uncertain significance (2). Last evaluated 2025-12-11.

Conditions:
Inborn genetic diseases. Identifiers: MedGen C0950123, MeSH D030342.

Submissions (2):

Ambry Genetics
Classification: Uncertain significance for Inborn genetic diseases. Last evaluated: 2025-12-11. Review status: criteria provided, single submitter. Criteria: Ambry Variant Classification Scheme 2023. Collection method: clinical testing. Allele origin: germline.

GeneDx
Classification: Uncertain significance. Last evaluated: 2024-03-20. Review status: criteria provided, single submitter. Criteria: GeneDx Variant Classification Process June 2021. Collection method: clinical testing. Allele origin: germline. Affected: yes.
Comment: Not observed at significant frequency in large population cohorts (gnomAD); In silico analysis supports that this missense variant does not alter protein structure/function; Has not been previously published as pathogenic or benign to our knowledge

NM_014712.3(SETD1A):c.4228C>T (p.Pro1410Ser)

Gene: SETD1A (SET domain containing 1A, histone lysine methyltransferase; plus strand). Cytogenetic location: 16p11.2.
Variant type: single nucleotide variant.
Coding change: c.4228C>T on transcript NM_014712.3 (MANE Select); coding-DNA position 4228, C replaced by T.
Protein change: p.Pro1410Ser; replaces proline 1410 with serine.
Molecular consequence: missense variant.
Genome position (GRCh38, 1-based): chr16:30,980,014, C>T. VCF-style: chr16-30980014-C-T. GRCh37 (hg19) VCF-style: chr16-30991335-C-T.
Other names: short protein forms P1410S.
Identifiers: ClinVar variation 3371249 (VCV003371249.2).